The following is an entry in ClinVar:

NM_177924.5(ASAH1):c.387_388del (p.Glu129fs)

Gene: ASAH1 (N-acylsphingosine amidohydrolase 1; minus strand). Cytogenetic location: 8p22.
Variant type: Microsatellite.
Coding change: c.387_388del on transcript NM_177924.5 (MANE Select); coding-DNA positions 387 to 388, 2 bases deleted (GA; older notation c.387_388delGA).
Protein change: p.Glu129fs; shifts the reading frame from glutamic acid 129.
Molecular consequence: frameshift variant.
Genome position (GRCh38, 1-based): chr8:18,064,526-18,064,527, TC deleted on the plus strand (GA on the coding strand, the reverse complement: ASAH1 is on the minus strand); deleting any 2 consecutive bases within chr8:18,064,526-18,064,531 gives the same sequence; the c. name uses the placement nearest the transcript's 3' end. VCF-style (leftmost placement, unchanged base first): chr8-18064525-ATC-A. GRCh37 (hg19) VCF-style: chr8-17922034-ATC-A.
Other names: c.369_370del, p.Glu123fs (NM_001127505.3); c.192_193del, p.Glu64fs (NM_001363743.2); c.435_436del, p.Glu145fs (NM_004315.6); short protein forms E123fs, E129fs, E145fs, E64fs.
Identifiers: ClinVar variation 1451795 (VCV001451795.6), dbSNP rs2117037641, ClinGen allele CA2579103701.
Genomic context (GRCh38, chr8:18,064,525, plus strand): 5'-TCTTCTGCTACTATTGAAGTACAAATGGTAAATAATTCATAAAAAATATTGAATGAAATA[ATC>A]TCTCCTATGAGAAAAGAAAATTTTGTGTTAATATACAGAACCATGACAATGGGAGAAAAA-3'

ClinVar aggregate classification (germline): Pathogenic (1 of 4 stars; one submission).

Submission:

Labcorp Genetics (formerly Invitae), Labcorp
Classification: Pathogenic. Last evaluated: 2021-11-21. Review status: criteria provided, single submitter. Criteria: Invitae Variant Classification Sherloc (09022015). Collection method: clinical testing. Allele origin: germline.
Comment: This sequence change creates a premature translational stop signal (p.Glu129Aspfs*9) in the ASAH1 gene. It is expected to result in an absent or disrupted protein product. Loss-of-function variants in ASAH1 are known to be pathogenic (PMID: 24164096, 24355074). This variant is not present in population databases (gnomAD no frequency). This variant has not been reported in the literature in individuals affected with ASAH1-related conditions. For these reasons, this variant has been classified as Pathogenic.

Literature cited by the submitters: PubMed 24164096; PubMed 24355074.